The following is an entry in ClinVar:

NM_000936.4(PNLIP):c.931-3T>C

Gene: PNLIP (pancreatic lipase; plus strand). Cytogenetic location: 10q25.3.
Variant type: single nucleotide variant.
Coding change: c.931-3T>C on transcript NM_000936.4 (MANE Select); 3 bases into the intron before coding-DNA position 931, T replaced by C.
Molecular consequence: intron variant.
Genome position (GRCh38, 1-based): chr10:116,559,151, T>C. VCF-style: chr10-116559151-T-C. GRCh37 (hg19) VCF-style: chr10-118318663-T-C.
Identifiers: ClinVar variation 2063529 (VCV002063529.2), dbSNP rs1302392413, ClinGen allele CA596150601.
Genomic context (GRCh38, chr10:116,559,151, plus strand): 5'-GGAAATATGGTACACAACTAAAAGATAGGGCATCCTCATTCATCATTTGTTTGTTTTCAC[T>C]AGAACAAGTGTTTCCCTTGTCCAAGTGGAGGCTGCCCACAGATGGGTCACTATGCTGATA-3'

ClinVar aggregate classification (germline): Uncertain significance (1 of 4 stars; one submission).

Allele frequency attached by ClinVar (database versions not stated): gnomAD exomes 0.00001; TOPMed 0.00002.
gnomAD v4.1: 10 of 1,607,088 alleles (0.00062%); highest among the groups gnomAD compares: Non-Finnish European, 0.00085%; no homozygotes.

Submission:

Labcorp Genetics (formerly Invitae), Labcorp
Classification: Uncertain significance. Last evaluated: 2023-02-04. Review status: criteria provided, single submitter. Criteria: Invitae Variant Classification Sherloc (09022015). Collection method: clinical testing. Allele origin: germline.
Comment: This sequence change falls in intron 9 of the PNLIP gene. It does not directly change the encoded amino acid sequence of the PNLIP protein. It affects a nucleotide within the consensus splice site. This variant is present in population databases (no rsID available, gnomAD 0.002%). This variant has not been reported in the literature in individuals affected with PNLIP-related conditions. Variants that disrupt the consensus splice site are a relatively common cause of aberrant splicing (PMID: 17576681, 9536098). Algorithms developed to predict the effect of sequence changes on RNA splicing suggest that this variant is not likely to affect RNA splicing. In summary, the available evidence is currently insufficient to determine the role of this variant in disease. Therefore, it has been classified as a Variant of Uncertain Significance.

Literature cited by the submitters: PubMed 17576681; PubMed 9536098.